The following is an entry in ClinVar:

NM_006891.4(CRYGD):c.233C>T (p.Ser78Phe)

Genes: CRYGD (crystallin gamma D; minus strand), LOC100507443 (uncharacterized LOC100507443; plus strand). Cytogenetic location: 2q33.3.
Variant type: single nucleotide variant.
Coding change: c.233C>T on transcript NM_006891.4 (MANE Select); coding-DNA position 233, C replaced by T.
Protein change: p.Ser78Phe; replaces serine 78 with phenylalanine.
Molecular consequence: missense variant.
Genome position (GRCh38, 1-based): chr2:208,124,131, G>A on the plus strand (C>T on the coding strand, the complement: CRYGD is on the minus strand). VCF-style: chr2-208124131-G-A. GRCh37 (hg19) VCF-style: chr2-208988855-G-A.
Other names: short protein forms S78F.
Identifiers: ClinVar variation 1329992 (VCV001329992.2), dbSNP rs2105853718, ClinGen allele CA350092488.
Genomic context (GRCh38, chr2:208,124,131, plus strand): 5'-GTGTCCTGAGGGCCTGGGTCCTGACTTGAGGATGTACTCACGTGGGGGATGAGGCGGCAG[G>A]AGCGGACCGAGTCGCTGAGGCCCATCCACTGCTGGTGGTCGGCATAGTCGCCGCGGCGCA-3'
Protein context (NP_008822.2, residues 68-88): QWMGLSDSVR[Ser78Phe]CRLIPHSGSH

ClinVar aggregate classification (germline): Uncertain significance (0 of 4 stars; one submission).

Conditions:
Cataract 4 multiple types. Also called: CATARACT 4, PUNCTATE; CATARACT 4, CRYSTALLINE; CATARACT 4, CENTRAL NUCLEAR; CATARACT 4, NONNUCLEAR POLYMORPHIC CONGENITAL; CATARACT 4, MULTIPLE TYPES, WITH OR WITHOUT MICROCORNEA; CATARACT 4 WITH MICROCORNEA. Identifiers: Orphanet 1377, MedGen C3540850, MONDO:0007281, OMIM 115700.

Submission:

Research Laboratory of Ophthalmology and Vision Sciences, West China Hospital, Sichuan University
Classification: Uncertain significance for Cataract 4 multiple types. Last evaluated: 2021-09-18. Review status: no assertion criteria provided. Collection method: clinical testing. Allele origin: germline. Inheritance: Autosomal dominant inheritance. Affected: yes. Observed: 7 variant alleles.
Comment: A heterozygous variant c.233C > T was identified in exon 2 of the CRYGD gene in Chromosome 2. This mutation resulted in a substitution of Serine to Phenylalanine at amino acid residue 78 (p.S78F).This novel mutation in the CRYGD gene associated with congenital cataract with nystagmus in a four-generation Chinese family and has not been reported in 1,000 genomes, dbSNP, ESP, ExAC, or Chi-gene in-house MAFs database. It is predicted to be damaging based on multiple algorithms by PolyPhen-2, or Provean, and Revel software. Taken together, the variant meets ACMG guidelines to be classified as uncertain significance.